The following is an entry in ClinVar:

NM_025215.6(PUS1):c.*8G>C

Gene: PUS1 (pseudouridine synthase 1; plus strand). Cytogenetic location: 12q24.33.
Variant type: single nucleotide variant.
Coding change: c.*8G>C on transcript NM_025215.6 (MANE Select); 8 bases downstream of the stop codon, G replaced by C.
Molecular consequence: 3 prime UTR variant.
Genome position (GRCh38, 1-based): chr12:131,943,594, G>C. VCF-style: chr12-131943594-G-C. GRCh37 (hg19) VCF-style: chr12-132428139-G-C.
Other names: c.*8G>C (NM_001002019.3, NM_001002020.3).
Identifiers: ClinVar variation 391091 (VCV000391091.10), dbSNP rs775200434, ClinGen allele CA6884395.

ClinVar aggregate classification (germline): Likely benign. Review status: criteria provided, multiple submitters, no conflicts (2 of 4 stars). 2 submissions from 2 submitters: Likely benign (2). Last evaluated 2019-04-09.

Allele frequency attached by ClinVar (database versions not stated): ExAC 0.00002; gnomAD exomes 0.00003 and 0.00004; gnomAD 0.00011 and 0.00012; TOPMed 0.00034.
gnomAD v4.1: 36 of 1,612,040 alleles (0.0022%); highest among the groups gnomAD compares: Admixed American, 0.053%; no homozygotes.

Submissions (2):

GeneDx
Classification: Likely benign. Last evaluated: 2019-04-09. Review status: criteria provided, single submitter. Criteria: GeneDx Variant Classification Process June 2021. Collection method: clinical testing. Allele origin: germline. Affected: yes.

ARUP Laboratories, Molecular Genetics and Genomics, ARUP Laboratories
Classification: Likely benign. Last evaluated: 2018-06-25. Review status: criteria provided, single submitter. Criteria: ARUP Molecular Germline Variant Investigation Process. Collection method: clinical testing. Allele origin: germline.
Comment: The c.*8G>C variant (rs775200434) has not been reported in the medical literature in association with disease. Located in the 3â€™ untranslated region (UTR) of the PUS1 gene, this variant does not alter the amino acid sequence of PUS1 protein. This variant is rare in the general population and is found with an allele frequency Latino populations of 0.02% (7/34,402 alleles) in the Genome Aggregation Database. Based on available information, the c.*8G>C variant is considered to be likely benign.